The following is an entry in ClinVar:

NM_001384732.1(CPLANE1):c.6259T>A (p.Ser2087Thr)

Gene: CPLANE1 (ciliogenesis and planar polarity effector complex subunit 1; minus strand). Cytogenetic location: 5p13.2.
Variant type: single nucleotide variant.
Coding change: c.6259T>A on transcript NM_001384732.1 (MANE Select); coding-DNA position 6259, T replaced by A.
Protein change: p.Ser2087Thr; replaces serine 2087 with threonine.
Molecular consequence: missense variant.
Genome position (GRCh38, 1-based): chr5:37,170,244, A>T on the plus strand (T>A on the coding strand, the complement: CPLANE1 is on the minus strand). VCF-style: chr5-37170244-A-T. GRCh37 (hg19) VCF-style: chr5-37170346-A-T.
Other names: c.6259T>A, p.Ser2087Thr (NM_023073.4); c.6259T>A (NM_023073.3); short protein forms S2087T.
Identifiers: ClinVar variation 1428238 (VCV001428238.7), dbSNP rs1026851353, ClinGen allele CA117055666.

ClinVar aggregate classification (germline): Uncertain significance. Review status: criteria provided, multiple submitters, no conflicts (2 of 4 stars). 2 submissions from 2 submitters: Uncertain significance (2). Last evaluated 2024-03-22.

Conditions:
Joubert syndrome 17 (JBTS17). Identifiers: Orphanet 475, MedGen C3553264, MONDO:0013824, OMIM 614615.
Orofaciodigital syndrome type 6 (OFD6). Also called: Oral-facial-digital syndrome type 6; Central polydactyly cleft lip/palate or lingual lump and psychomotor retardation; Y-shaped central metacarpal and cerebellar defect; Joubert syndrome with orofacialdigital anomalies; OROFACIODIGITAL SYNDROME VI; OFDS VI. Identifiers: Orphanet 2754, MedGen C2745997, MONDO:0010176, OMIM 277170.

Allele frequency attached by ClinVar (database versions not stated): gnomAD exomes below 0.00001; gnomAD 0.00002 and 0.00003; TOPMed 0.00003.
gnomAD v4.1: 6 of 1,614,060 alleles (0.00037%); highest among the groups gnomAD compares: African/African-American, 0.008%; no homozygotes.

Submissions (2):

Fulgent Genetics
Classification: Uncertain significance for Orofaciodigital syndrome type 6; Joubert syndrome 17. Last evaluated: 2024-03-22. Review status: criteria provided, single submitter. Criteria: ACMG Guidelines, 2015. Collection method: clinical testing. Allele origin: germline.

Labcorp Genetics (formerly Invitae), Labcorp
Classification: Uncertain significance. Last evaluated: 2022-10-17. Review status: criteria provided, single submitter. Criteria: Invitae Variant Classification Sherloc (09022015). Collection method: clinical testing. Allele origin: germline.
Comment: In summary, the available evidence is currently insufficient to determine the role of this variant in disease. Therefore, it has been classified as a Variant of Uncertain Significance. Advanced modeling of protein sequence and biophysical properties (such as structural, functional, and spatial information, amino acid conservation, physicochemical variation, residue mobility, and thermodynamic stability) performed at Invitae indicates that this missense variant is not expected to disrupt CPLANE1 protein function. ClinVar contains an entry for this variant (Variation ID: 1428238). This variant has not been reported in the literature in individuals affected with CPLANE1-related conditions. This variant is not present in population databases (gnomAD no frequency). This sequence change replaces serine, which is neutral and polar, with threonine, which is neutral and polar, at codon 2087 of the CPLANE1 protein (p.Ser2087Thr).